The following is an entry in ClinVar:

NM_024642.5(GALNT12):c.1464C>T (p.Phe488=)

Gene: GALNT12 (polypeptide N-acetylgalactosaminyltransferase 12; plus strand). Cytogenetic location: 9q22.33.
Variant type: single nucleotide variant.
Coding change: c.1464C>T on transcript NM_024642.5 (MANE Select); coding-DNA position 1464, C replaced by T.
Protein change: p.Phe488=; no amino-acid change (phenylalanine 488 retained).
Molecular consequence: synonymous variant.
Genome position (GRCh38, 1-based): chr9:98,845,982, C>T. VCF-style: chr9-98845982-C-T. GRCh37 (hg19) VCF-style: chr9-101608264-C-T.
Identifiers: ClinVar variation 1080834 (VCV001080834.12), dbSNP rs772731021, ClinGen allele CA5154293.
Genomic context (GRCh38, chr9:98,845,982, plus strand): 5'-CTCTTCCCACATCAGTGGAAAATGTTGTGTTACATGTTGGCTGCCCCATTTTTAGTTTTT[C>T]GAGTACACGTCCCAGAAAGAAATACGCTATAACACCCACCAGCCTGAGGGCTGCATTGCT-3'
Protein context (NP_078918.3, residues 478-498): LCHGMGQNQF[Phe488=]EYTSQKEIRY

ClinVar aggregate classification (germline): Benign/Likely benign. Review status: criteria provided, multiple submitters, no conflicts (2 of 4 stars). 3 submissions from 3 submitters: Benign (1); Likely benign (2). Last evaluated 2026-04-27.

Conditions:
Colorectal cancer, susceptibility to, 1. Also called: COLORECTAL ADENOMA AND CANCER, SUSCEPTIBILITY TO; COLORECTAL CANCER, SUSCEPTIBILITY TO, ON CHROMOSOME 9. Identifiers: MedGen C1837315, MONDO:0012132, OMIM 608812.

Allele frequency attached by ClinVar (database versions not stated): gnomAD exomes 0.00001 and 0.00002; ExAC 0.00003; gnomAD 0.00004.
gnomAD v4.1: 18 of 1,613,948 alleles (0.0011%); highest among the groups gnomAD compares: African/African-American, 0.011%; no homozygotes.

Submissions (3):

Myriad Genetics, Inc.
Classification: Benign for Colorectal cancer, susceptibility to, 1. Last evaluated: 2026-04-27. Review status: criteria provided, single submitter. Criteria: Myriad Autosomal Dominant, Autosomal Recessive and X-Linked Classification Criteria (2023). Collection method: clinical testing. Allele origin: unknown.
Comment: This variant is considered benign. This variant is a silent/synonymous amino acid change and it is not expected to impact splicing.

Labcorp Genetics (formerly Invitae), Labcorp
Classification: Likely benign. Last evaluated: 2024-02-15. Review status: criteria provided, single submitter. Criteria: Invitae Variant Classification Sherloc (09022015). Collection method: clinical testing. Allele origin: germline.

Ambry Genetics
Classification: Likely benign. Last evaluated: 2021-08-27. Review status: criteria provided, single submitter. Criteria: Ambry Variant Classification Scheme 2023. Collection method: clinical testing. Allele origin: germline.